The following is an entry in ClinVar:

NM_001379081.2(FREM1):c.42G>C (p.Leu14=)

Gene: FREM1 (FRAS1 related extracellular matrix 1; minus strand). Cytogenetic location: 9p22.3.
Variant type: single nucleotide variant.
Coding change: c.42G>C on transcript NM_001379081.2 (MANE Select); coding-DNA position 42, G replaced by C.
Protein change: p.Leu14=; no amino-acid change (leucine 14 retained).
Molecular consequence: synonymous variant. On other transcripts: non-coding transcript variant (4).
Genome position (GRCh38, 1-based): chr9:14,868,936, C>G on the plus strand (G>C on the coding strand, the complement: FREM1 is on the minus strand). VCF-style: chr9-14868936-C-G. GRCh37 (hg19) VCF-style: chr9-14868934-C-G.
Other names: c.42G>C, p.Leu14= (NM_001370060.1, NM_001370063.1, NM_001370065.1 and 1 more transcripts).
Identifiers: ClinVar variation 3056663 (VCV003056663.3), dbSNP rs768271293, ClinGen allele CA4991694.
Genomic context (GRCh38, chr9:14,868,936, plus strand): 5'-CACCCTCACCCCGCGGTTGATGCTGATGAAGGTGGGGCTGGCCCAGGCCAGGAGGAGCAG[C>G]AGCAGCACGGCATTCGCAGCCCCCCAACTCAGAGAGTTCATGCTGACAGGGCCCAACTCT-3'
Protein context (NP_001366010.1, residues 4-24): LSWGAANAVL[Leu14=]LLLLAWASPT

ClinVar aggregate classification (germline): Likely benign. Review status: criteria provided, single submitter (1 of 4 stars). 2 submissions from 2 submitters: Likely benign (1). 1 of the submissions does not count toward it. Last evaluated 2025-06-12.

Conditions:
FREM1-related disorder. Also called: FREM1-related condition; FREM1-Related Disorders.

Allele frequency attached by ClinVar (database versions not stated): gnomAD exomes 0.00001; ExAC 0.00002; TOPMed below 0.00001.
gnomAD v4.1: 18 of 1,600,430 alleles (0.0011%); highest among the groups gnomAD compares: Non-Finnish European, 0.0015%; no homozygotes.

Submissions (2):

Labcorp Genetics (formerly Invitae), Labcorp
Classification: Likely benign. Last evaluated: 2025-06-12. Review status: criteria provided, single submitter. Criteria: Invitae Variant Classification Sherloc (09022015). Collection method: clinical testing. Allele origin: germline.

PreventionGenetics, part of Exact Sciences
Classification: Likely benign for FREM1-related condition. Last evaluated: 2023-08-08. Review status: no assertion criteria provided. Collection method: clinical testing. Allele origin: germline. Not counted in ClinVar's aggregate classification.
Comment: This variant is classified as likely benign based on ACMG/AMP sequence variant interpretation guidelines (Richards et al. 2015 PMID: 25741868, with internal and published modifications).